The following is an entry in ClinVar:

NM_001024630.4(RUNX2):c.1022-67T>A

Gene: RUNX2 (RUNX family transcription factor 2; plus strand). Cytogenetic location: 6p21.1.
Variant type: single nucleotide variant.
Coding change: c.1022-67T>A on transcript NM_001024630.4 (MANE Select); 67 bases into the intron before coding-DNA position 1022, T replaced by A.
Molecular consequence: intron variant.
Genome position (GRCh38, 1-based): chr6:45,545,150, T>A. VCF-style: chr6-45545150-T-A. GRCh37 (hg19) VCF-style: chr6-45512887-T-A.
Other names: c.1022-1677T>A (NM_001015051.4); c.980-67T>A (NM_001369405.1); c.980-1677T>A (NM_001278478.2).
Identifiers: ClinVar variation 4158249 (VCV004158249.2).
Genomic context (GRCh38, chr6:45,545,150, plus strand): 5'-TGAGGGATGGGAACCTCTCTGTCTACCCCTCCCCTAAGGCTGTTGCTTCTCCTTCTCTCT[T>A]GGAATTCATAGTCATAGAACATTAGAGCTGGAAGGGAACTTAGAGCTCATCCCCCTCATT-3'

ClinVar aggregate classification (germline): Uncertain significance. Review status: criteria provided, multiple submitters, no conflicts (2 of 4 stars). 2 submissions from 2 submitters: Uncertain significance (2). Last evaluated 2026-02-04.

Conditions:
Inborn genetic diseases. Identifiers: MedGen C0950123, MeSH D030342.

Submissions (2):

GeneDx
Classification: Uncertain significance. Last evaluated: 2026-02-04. Review status: criteria provided, single submitter. Criteria: GeneDx Variant Classification Process June 2021. Collection method: clinical testing. Allele origin: germline.
Comment: In silico analysis supports a deleterious effect on splicing; Has not been previously published as pathogenic or benign to our knowledge; No data available from control populations to assess the frequency of this variant

Ambry Genetics
Classification: Uncertain significance for Inborn genetic diseases. Last evaluated: 2025-07-09. Review status: criteria provided, single submitter. Criteria: Ambry Variant Classification Scheme 2023. Collection method: clinical testing. Allele origin: germline.
Comment: The c.1022-67T>A intronic alteration results from a T to A substitution 67 nucleotides before coding exon 7 of the RUNX2 gene. Based on data from the Genome Aggregation Database (gnomAD) database, the RUNX2 c.1022-67T>A alteration was not observed; however, this position was not well covered. This nucleotide position is highly conserved in available vertebrate species. In silico splice site analysis predicts that this alteration will result in the creation or strengthening of a novel splice acceptor site. Based on insufficient or conflicting evidence, the clinical significance of this alteration remains unclear.